The following is an entry in ClinVar:

NC_000006.12:g.(?_79926194)_(79926381_?)del

Gene: ELOVL4 (ELOVL fatty acid elongase 4; minus strand). Cytogenetic location: 6q14.1.
Variant type: Deletion.
Identifiers: ClinVar variation 831415 (VCV000831415.1).

ClinVar aggregate classification (germline): Pathogenic (1 of 4 stars; one submission).

Submission:

Labcorp Genetics (formerly Invitae), Labcorp
Classification: Pathogenic. Last evaluated: 2019-12-17. Review status: criteria provided, single submitter. Criteria: Invitae Variant Classification Sherloc (09022015). Collection method: clinical testing. Allele origin: germline.
Comment: This variant is an out-of-frame deletion of the genomic region encompassing exon 2 of the ELOVL4 gene. This is expected to create a premature translational stop signal and result in an absent or disrupted protein product. This variant has not been reported in the literature in individuals with ELOVL4-related conditions. Loss-of-function variants in ELOVL4 are known to be pathogenic (PMID: 24571530). For these reasons, this variant has been classified as Pathogenic.